The following is an entry in ClinVar:

ClinVar aggregate classification (germline): Uncertain significance (1 of 4 stars; one submission).

Conditions:
Deficiency of malonyl-CoA decarboxylase. Also called: Malonic aciduria; MCD deficiency. Identifiers: Orphanet 943, MedGen C0342793, MONDO:0009556, OMIM 248360.

gnomAD v4.1: 7 of 1,592,478 alleles (0.00044%); highest among the groups gnomAD compares: Non-Finnish European, 0.00059%; no homozygotes.

Submission:

Labcorp Genetics (formerly Invitae), Labcorp
Classification: Uncertain significance for Deficiency of malonyl-CoA decarboxylase. Last evaluated: 2021-08-31. Review status: criteria provided, single submitter. Criteria: Invitae Variant Classification Sherloc (09022015). Collection method: clinical testing. Allele origin: germline.
Comment: This sequence change replaces proline with leucine at codon 135 of the MLYCD protein (p.Pro135Leu). The proline residue is highly conserved and there is a moderate physicochemical difference between proline and leucine. This variant is not present in population databases (ExAC no frequency). This variant has not been reported in the literature in individuals affected with MLYCD-related conditions. Algorithms developed to predict the effect of missense changes on protein structure and function (SIFT, PolyPhen-2, Align-GVGD) all suggest that this variant is likely to be disruptive. In summary, the available evidence is currently insufficient to determine the role of this variant in disease. Therefore, it has been classified as a Variant of Uncertain Significance.

NM_012213.3(MLYCD):c.404C>T (p.Pro135Leu)

Gene: MLYCD (malonyl-CoA decarboxylase; plus strand). Cytogenetic location: 16q23.3.
Variant type: single nucleotide variant.
Coding change: c.404C>T on transcript NM_012213.3 (MANE Select); coding-DNA position 404, C replaced by T.
Protein change: p.Pro135Leu; replaces proline 135 with leucine.
Molecular consequence: missense variant.
Genome position (GRCh38, 1-based): chr16:83,899,548, C>T. VCF-style: chr16-83899548-C-T. GRCh37 (hg19) VCF-style: chr16-83933153-C-T.
Other names: short protein forms P135L.
Identifiers: ClinVar variation 1489205 (VCV001489205.5), dbSNP rs767436209, ClinGen allele CA396918262.
Genomic context (GRCh38, chr16:83,899,548, plus strand): 5'-AGCAGCGGGAGGCGGCGGTGCTGCTGCAGGCCGAGGACCGGCTGCGCTACGCGCTGGTGC[C>T]GCGCTATCGCGGCCTCTTCCACCACATCAGCAAGCTGGACGGCGGCGTGCGCTTCCTGGT-3'
Protein context (NP_036345.2, residues 125-145): AEDRLRYALV[Pro135Leu]RYRGLFHHIS